The following is an entry in ClinVar:

NM_181703.4(GJA5):c.977G>A (p.Gly326Glu)

Gene: GJA5 (gap junction protein alpha 5; minus strand). Cytogenetic location: 1q21.2.
Variant type: single nucleotide variant.
Coding change: c.977G>A on transcript NM_181703.4 (MANE Select); coding-DNA position 977, G replaced by A.
Protein change: p.Gly326Glu; replaces glycine 326 with glutamic acid.
Molecular consequence: missense variant.
Genome position (GRCh38, 1-based): chr1:147,758,262, C>T on the plus strand (G>A on the coding strand, the complement: GJA5 is on the minus strand). VCF-style: chr1-147758262-C-T. GRCh37 (hg19) VCF-style: chr1-147230370-C-T.
Other names: c.977G>A, p.Gly326Glu (NM_005266.7); short protein forms G326E.
Identifiers: ClinVar variation 566272 (VCV000566272.8), dbSNP rs782703462, ClinGen allele CA342393773.

ClinVar aggregate classification (germline): Uncertain significance (1 of 4 stars; one submission).

Conditions:
Atrial fibrillation, familial, 11 (ATFB11). Identifiers: MedGen C3279693, MONDO:0013544, OMIM 614049.
Atrial standstill 1 (ATRST1). Also called: ATRIAL CARDIOMYOPATHY WITH HEART BLOCK; CARDIOMYOPATHY, FAMILIAL, WITH CONDUCTION DISTURBANCE; Atrial standstill, digenic (GJA5/SCN5A). Identifiers: Orphanet 1344, MedGen C4551959, MONDO:0007171, OMIM 108770.

Submission:

Labcorp Genetics (formerly Invitae), Labcorp
Classification: Uncertain significance for Atrial fibrillation, familial, 11; Atrial standstill 1. Last evaluated: 2018-06-20. Review status: criteria provided, single submitter. Criteria: Invitae Variant Classification Sherloc (09022015). Collection method: clinical testing. Allele origin: germline.
Comment: In summary, the available evidence is currently insufficient to determine the role of this variant in disease. Therefore, it has been classified as a Variant of Uncertain Significance. Algorithms developed to predict the effect of missense changes on protein structure and function output the following: SIFT: "Tolerated"; PolyPhen-2: "Benign"; Align-GVGD: "Class C0". The glutamic acid amino acid residue is found in multiple mammalian species, suggesting that this missense change does not adversely affect protein function. These predictions have not been confirmed by published functional studies and their clinical significance is uncertain. This variant has not been reported in the literature in individuals with GJA5-related disease. This variant is not present in population databases (ExAC no frequency). This sequence change replaces glycine with glutamic acid at codon 326 of the GJA5 protein (p.Gly326Glu). The glycine residue is moderately conserved and there is a moderate physicochemical difference between glycine and glutamic acid.